The following is an entry in ClinVar:

NM_003738.5(PTCH2):c.2524A>G (p.Arg842Gly)

Gene: PTCH2 (patched 2; minus strand). Cytogenetic location: 1p34.1.
Variant type: single nucleotide variant.
Coding change: c.2524A>G on transcript NM_003738.5 (MANE Select); coding-DNA position 2524, A replaced by G.
Protein change: p.Arg842Gly; replaces arginine 842 with glycine.
Molecular consequence: missense variant.
Genome position (GRCh38, 1-based): chr1:44,827,073, T>C on the plus strand (A>G on the coding strand, the complement: PTCH2 is on the minus strand). VCF-style: chr1-44827073-T-C. GRCh37 (hg19) VCF-style: chr1-45292745-T-C.
Other names: c.2524A>G, p.Arg842Gly (NM_001166292.2); short protein forms R842G.
Identifiers: ClinVar variation 4813189 (VCV004813189.1).

ClinVar aggregate classification (germline): Uncertain significance (1 of 4 stars; one submission).

Conditions:
Basal cell nevus syndrome 1 (BCNS1). Also called: GORLIN-GOLTZ SYNDROME; MULTIPLE BASAL CELL NEVI, ODONTOGENIC KERATOCYSTS, AND SKELETAL ANOMALIES. Identifiers: MedGen CN376810, MONDO:0958174, OMIM 109400.

gnomAD v4.1: 4 of 1,613,922 alleles (0.00025%); highest among the groups gnomAD compares: Non-Finnish European, 0.00034%; no homozygotes.

Submission:

St. Jude Molecular Pathology, St. Jude Children's Research Hospital
Classification: Uncertain significance for Basal cell nevus syndrome 1. Last evaluated: 2026-02-20. Review status: criteria provided, single submitter. Criteria: St. Jude Assertion Criteria 2020. Collection method: clinical testing. Allele origin: germline.
Comment: The PTCH2 c.2524A>G p.(Arg842Gly) missense change is absent in gnomAD v2.1.1. The in silico tool REVEL is inconclusive about a pathogenic o r benign effect of this variant on protein function, and to our knowledge functional studies have not been performed. To our knowledge, this variant has not been reported in individuals with nevoid basal cell carcinoma syndrome. In summary, the evidence currently available is insufficient to determine the clinical significance of this variant. It has therefore been classified as of uncertain significance.